The following is an entry in ClinVar:

NM_001942.4(DSG1):c.174T>A (p.Cys58Ter)

Gene: DSG1 (desmoglein 1; plus strand). Cytogenetic location: 18q12.1.
Variant type: single nucleotide variant.
Coding change: c.174T>A on transcript NM_001942.4 (MANE Select); coding-DNA position 174, T replaced by A.
Protein change: p.Cys58Ter; replaces cysteine 58 with a stop codon.
Molecular consequence: nonsense.
Genome position (GRCh38, 1-based): chr18:31,326,963, T>A. VCF-style: chr18-31326963-T-A. GRCh37 (hg19) VCF-style: chr18-28906926-T-A.
Other names: short protein forms C58*.
Identifiers: ClinVar variation 2748560 (VCV002748560.3), dbSNP rs2511042832, ClinGen allele CA402127901.

ClinVar aggregate classification (germline): Pathogenic (1 of 4 stars; one submission).

Submission:

Labcorp Genetics (formerly Invitae), Labcorp
Classification: Pathogenic. Last evaluated: 2023-07-30. Review status: criteria provided, single submitter. Criteria: Invitae Variant Classification Sherloc (09022015). Collection method: clinical testing. Allele origin: germline.
Comment: For these reasons, this variant has been classified as Pathogenic. This variant has not been reported in the literature in individuals affected with DSG1-related conditions. This sequence change creates a premature translational stop signal (p.Cys58*) in the DSG1 gene. It is expected to result in an absent or disrupted protein product. Loss-of-function variants in DSG1 are known to be pathogenic (PMID: 19018793, 23974871, 27534273, 27632246, 29604126). This variant is not present in population databases (gnomAD no frequency).

Literature cited by the submitters: PubMed 19018793; PubMed 23974871; PubMed 27534273; PubMed 27632246; PubMed 29604126.